The following is an entry in ClinVar:

NM_000135.4(FANCA):c.4334A>G (p.Asp1445Gly)

Genes: ZNF276 (zinc finger protein 276; plus strand), FANCA (FA complementation group A; minus strand). Cytogenetic location: 16q24.3.
Variant type: single nucleotide variant.
Coding change: c.4334A>G on transcript NM_000135.4 (MANE Select); coding-DNA position 4334, A replaced by G.
Protein change: p.Asp1445Gly; replaces aspartic acid 1445 with glycine.
Molecular consequence: missense variant. On other transcripts: 3 prime UTR variant (3), non-coding transcript variant (4).
Genome position (GRCh38, 1-based): chr16:89,738,635, T>C on the plus strand (A>G on the coding strand, the complement: FANCA is on the minus strand). VCF-style: chr16-89738635-T-C. GRCh37 (hg19) VCF-style: chr16-89805043-T-C.
Other names: c.*63A>G (NM_001286167.3); c.*389T>C (NM_001113525.2, NM_152287.4); short protein forms D1445G.
Identifiers: ClinVar variation 3624271 (VCV003624271.3).

ClinVar aggregate classification (germline): Uncertain significance. Review status: criteria provided, multiple submitters, no conflicts (2 of 4 stars). 2 submissions from 2 submitters: Uncertain significance (2). Last evaluated 2025-04-28.

Conditions:
Inborn genetic diseases. Identifiers: MedGen C0950123, MeSH D030342.
Fanconi anemia (FA). Also called: Fanconi's anemia. Identifiers: Orphanet 84, MedGen C0015625, MeSH D005199, MONDO:0019391.

Submissions (2):

Ambry Genetics
Classification: Uncertain significance for Inborn genetic diseases. Last evaluated: 2025-04-28. Review status: criteria provided, single submitter. Criteria: Ambry Variant Classification Scheme 2023. Collection method: clinical testing. Allele origin: germline.
Comment: The p.D1445G variant (also known as c.4334A>G), located in coding exon 43 of the FANCA gene, results from an A to G substitution at nucleotide position 4334. The aspartic acid at codon 1445 is replaced by glycine, an amino acid with similar properties. This amino acid position is conserved. In addition, this alteration is predicted to be tolerated by in silico analysis. Based on the available evidence, the clinical significance of this variant remains unclear.

Labcorp Genetics (formerly Invitae), Labcorp
Classification: Uncertain significance for Fanconi anemia. Last evaluated: 2024-09-28. Review status: criteria provided, single submitter. Criteria: Invitae Variant Classification Sherloc (09022015). Collection method: clinical testing. Allele origin: germline.
Comment: This sequence change replaces aspartic acid, which is acidic and polar, with glycine, which is neutral and non-polar, at codon 1445 of the FANCA protein (p.Asp1445Gly). This variant is not present in population databases (gnomAD no frequency). This variant has not been reported in the literature in individuals affected with FANCA-related conditions. Invitae Evidence Modeling of protein sequence and biophysical properties (such as structural, functional, and spatial information, amino acid conservation, physicochemical variation, residue mobility, and thermodynamic stability) indicates that this missense variant is not expected to disrupt FANCA protein function with a negative predictive value of 95%. In summary, the available evidence is currently insufficient to determine the role of this variant in disease. Therefore, it has been classified as a Variant of Uncertain Significance.